The following is an entry in ClinVar:

ClinVar aggregate classification (germline): Uncertain significance (1 of 4 stars; one submission).

Submission:

Labcorp Genetics (formerly Invitae), Labcorp
Classification: Uncertain significance. Last evaluated: 2022-08-04. Review status: criteria provided, single submitter. Criteria: Invitae Variant Classification Sherloc (09022015). Collection method: clinical testing. Allele origin: germline.
Comment: In summary, the available evidence is currently insufficient to determine the role of this variant in disease. Therefore, it has been classified as a Variant of Uncertain Significance. Algorithms developed to predict the effect of sequence changes on RNA splicing suggest that this variant may create or strengthen a splice site. This variant has not been reported in the literature in individuals affected with UBE2A-related conditions. This variant is present in population databases (no rsID available, gnomAD 0.03%). This sequence change falls in intron 4 of the UBE2A gene. It does not directly change the encoded amino acid sequence of the UBE2A protein.

NM_003336.4(UBE2A):c.242-9_242-6del

Gene: UBE2A (ubiquitin conjugating enzyme E2 A; plus strand). Cytogenetic location: Xq24.
Variant type: Deletion.
Coding change: c.242-9_242-6del on transcript NM_003336.4 (MANE Select); 9 bases into the intron before coding-DNA position 242 through 6 bases into the intron before coding-DNA position 242, 4 bases deleted (TGTT; older notation c.242-9_242-6delTGTT).
Molecular consequence: intron variant.
Genome position (GRCh38, 1-based): chrX:119,582,579-119,582,582, TGTT deleted; deleting any 4 consecutive bases within chrX:119,582,577-119,582,582 gives the same sequence; the c. name uses the placement nearest the transcript's 3' end. VCF-style (leftmost placement, unchanged base first): chrX-119582576-CTTTG-C. GRCh37 (hg19) VCF-style: chrX-118716539-CTTTG-C.
Other names: c.152-9_152-6del (NM_181762.3); c.143-9_143-6del (NM_001282161.2).
Identifiers: ClinVar variation 1944218 (VCV001944218.5), dbSNP rs1193807205, ClinGen allele CA644116945.
Genomic context (GRCh38, chrX:119,582,576, plus strand): 5'-TTTTGTTTTGTCTATAATGTTAAAACCTTAGTGGTCTTGTTACGTTTAATGTACCTACTT[CTTTG>C]TTCTTAGTCTATGCAGATGGTAGTATATGTCTGGACATACTTCAGAACCGTTGGAGTCCA-3'